The following is an entry in ClinVar:

NM_002691.4(POLD1):c.2656G>A (p.Glu886Lys)

Gene: POLD1 (DNA polymerase delta 1, catalytic subunit; plus strand). Cytogenetic location: 19q13.33.
Variant type: single nucleotide variant.
Coding change: c.2656G>A on transcript NM_002691.4 (MANE Select); coding-DNA position 2656, G replaced by A.
Protein change: p.Glu886Lys; replaces glutamic acid 886 with lysine.
Molecular consequence: missense variant. On other transcripts: non-coding transcript variant (1).
Genome position (GRCh38, 1-based): chr19:50,415,529, G>A. VCF-style: chr19-50415529-G-A. GRCh37 (hg19) VCF-style: chr19-50918786-G-A.
Other names: c.2734G>A, p.Glu912Lys (NM_001308632.1); c.2656G>A, p.Glu886Lys (NM_001256849.1); c.2656G>A (NM_002691.2); short protein forms E886K, E912K.
Identifiers: ClinVar variation 1436046 (VCV001436046.7), dbSNP rs2039247811, ClinGen allele CA406985565.

ClinVar aggregate classification (germline): Uncertain significance. Review status: criteria provided, multiple submitters, no conflicts (2 of 4 stars). 2 submissions from 2 submitters: Uncertain significance (2). Last evaluated 2026-05-14.

Conditions:
POLD1-related polyposis and colorectal cancer syndrome (CRCS10). Also called: Colorectal cancer 10; COLORECTAL CANCER, SUSCEPTIBILITY TO, ON CHROMOSOME 19q; Colorectal cancer, susceptibility to, 10. Identifiers: Orphanet 220460, MedGen C2675481, MONDO:0012953, OMIM 612591.
Hereditary cancer-predisposing syndrome. Also called: Neoplastic Syndromes, Hereditary; Tumor predisposition; Hereditary Cancer Syndrome; Hereditary neoplastic syndrome. Identifiers: Orphanet 140162, MedGen C0027672, MeSH D009386, MONDO:0015356.

Submissions (2):

Ambry Genetics
Classification: Uncertain significance for Hereditary cancer-predisposing syndrome. Last evaluated: 2026-05-14. Review status: criteria provided, single submitter. Criteria: Ambry Variant Classification Scheme 2023. Collection method: clinical testing. Allele origin: germline.
Comment: The p.E886K variant (also known as c.2656G>A), located in coding exon 20 of the POLD1 gene, results from a G to A substitution at nucleotide position 2656. The glutamic acid at codon 886 is replaced by lysine, an amino acid with similar properties. This amino acid position is conserved. In addition, this alteration is predicted to be tolerated by in silico analysis. Based on the available evidence, the clinical significance of this variant remains unclear.

Labcorp Genetics (formerly Invitae), Labcorp
Classification: Uncertain significance for POLD1-related polyposis and colorectal cancer syndrome. Last evaluated: 2021-11-08. Review status: criteria provided, single submitter. Criteria: Invitae Variant Classification Sherloc (09022015). Collection method: clinical testing. Allele origin: germline.
Comment: This sequence change replaces glutamic acid, which is acidic and polar, with lysine, which is basic and polar, at codon 886 of the POLD1 protein (p.Glu886Lys). This variant is not present in population databases (gnomAD no frequency). This variant has not been reported in the literature in individuals affected with POLD1-related conditions. Algorithms developed to predict the effect of missense changes on protein structure and function are either unavailable or do not agree on the potential impact of this missense change (SIFT: "Tolerated"; PolyPhen-2: "Probably Damaging"; Align-GVGD: "Class C0"). In summary, the available evidence is currently insufficient to determine the role of this variant in disease. Therefore, it has been classified as a Variant of Uncertain Significance.